The following is an entry in ClinVar:

ClinVar aggregate classification (germline): Conflicting classifications of pathogenicity. Review status: criteria provided, conflicting classifications (1 of 4 stars). 3 submissions from 3 submitters: Uncertain significance (2); Likely benign (1). Last evaluated 2025-06-16.

Conditions:
Cardiovascular phenotype. Identifiers: MedGen CN230736.
Long QT syndrome (LQTS). Identifiers: MedGen C0023976, MeSH D008133, MONDO:0002442. Disease mechanism: loss of function. Inheritance: Various modes of inheritance.

Allele frequency attached by ClinVar (database versions not stated): gnomAD 0.00001; gnomAD exomes 0.00001; ExAC 0.00002; TOPMed 0.00002.
gnomAD v4.1: 12 of 1,612,938 alleles (0.00074%); highest among the groups gnomAD compares: African/African-American, 0.0067%; no homozygotes.

Submissions (3):

Ambry Genetics
Classification: Uncertain significance for Cardiovascular phenotype. Last evaluated: 2025-06-16. Review status: criteria provided, single submitter. Criteria: Ambry Variant Classification Scheme 2023. Collection method: clinical testing. Allele origin: germline.

Labcorp Genetics (formerly Invitae), Labcorp
Classification: Uncertain significance for Long QT syndrome. Last evaluated: 2025-05-25. Review status: criteria provided, single submitter. Criteria: Invitae Variant Classification Sherloc (09022015). Collection method: clinical testing. Allele origin: germline.
Comment: This sequence change replaces arginine, which is basic and polar, with glutamine, which is neutral and polar, at codon 1900 of the AKAP9 protein (p.Arg1900Gln). This variant is present in population databases (rs756880227, gnomAD 0.004%). This variant has not been reported in the literature in individuals affected with AKAP9-related conditions. ClinVar contains an entry for this variant (Variation ID: 1749118). An algorithm developed to predict the effect of missense changes on protein structure and function outputs the following: PolyPhen-2: "Benign". The glutamine amino acid residue is found in multiple mammalian species, which suggests that this missense change does not adversely affect protein function. In summary, the available evidence is currently insufficient to determine the role of this variant in disease. Therefore, it has been classified as a Variant of Uncertain Significance.

Blueprint Genetics
Classification: Likely benign. Last evaluated: 2022-10-06. Review status: criteria provided, single submitter. Criteria: ACMG Guidelines, 2015. Collection method: clinical testing. Allele origin: germline.

NM_005751.5(AKAP9):c.5699G>A (p.Arg1900Gln)

Gene: AKAP9 (A-kinase anchoring protein 9; plus strand). Cytogenetic location: 7q21.2.
Variant type: single nucleotide variant.
Coding change: c.5699G>A on transcript NM_005751.5 (MANE Select); coding-DNA position 5699, G replaced by A.
Protein change: p.Arg1900Gln; replaces arginine 1900 with glutamine.
Molecular consequence: missense variant.
Genome position (GRCh38, 1-based): chr7:92,061,357, G>A. VCF-style: chr7-92061357-G-A. GRCh37 (hg19) VCF-style: chr7-91690671-G-A.
Other names: c.5699G>A, p.Arg1900Gln (NM_147185.3); c.344G>A, p.Arg115Gln (NM_001379277.1); short protein forms R115Q, R1900Q.
Identifiers: ClinVar variation 1749118 (VCV001749118.10), dbSNP rs756880227, ClinGen allele CA4336894.
Genomic context (GRCh38, chr7:92,061,357, plus strand): 5'-GTGAGTCATTTAGACAGAAACAAGAAGCAACAGAGTCCCTTAAGTGCCAAGAGGAACTTC[G>A]AGAGCGCCTTCATGAGGAGTCCAGGGCCAGAGAACAGCTAGCTGTGGAGCTCAGTAAGGC-3'
Protein context (NP_005742.4, residues 1890-1910): TESLKCQEEL[Arg1900Gln]ERLHEESRAR